The following is an entry in ClinVar:

ClinVar aggregate classification (germline): Benign (0 of 4 stars; one submission).

Conditions:
PTPRT-related disorder. Also called: PTPRT-related condition.

Allele frequency attached by ClinVar (database versions not stated): TOPMed 0.00006; gnomAD 0.00029; gnomAD exomes 0.00051; ExAC 0.00114; 1000 Genomes Project 0.00220; 1000 Genomes Project 30x 0.00234.
gnomAD v4.1: 792 of 1,607,870 alleles (0.049%); highest among the groups gnomAD compares: South Asian, 0.83%; 14 homozygotes.

Submission:

PreventionGenetics, part of Exact Sciences
Classification: Benign for PTPRT-related condition. Last evaluated: 2019-05-28. Review status: no assertion criteria provided. Collection method: clinical testing. Allele origin: germline.
Comment: This variant is classified as benign based on ACMG/AMP sequence variant interpretation guidelines (Richards et al. 2015 PMID: 25741868, with internal and published modifications).

NM_007050.6(PTPRT):c.102T>C (p.Phe34=)

Gene: PTPRT (protein tyrosine phosphatase receptor type T; minus strand). Cytogenetic location: 20q12.
Variant type: single nucleotide variant.
Coding change: c.102T>C on transcript NM_007050.6 (MANE Select); coding-DNA position 102, T replaced by C.
Protein change: p.Phe34=; no amino-acid change (phenylalanine 34 retained).
Molecular consequence: synonymous variant.
Genome position (GRCh38, 1-based): chr20:42,885,919, A>G on the plus strand (T>C on the coding strand, the complement: PTPRT is on the minus strand). VCF-style: chr20-42885919-A-G. GRCh37 (hg19) VCF-style: chr20-41514559-A-G.
Other names: c.102T>C, p.Phe34= (NM_001394024.1, NM_001394025.1, NM_001394026.1 and 1 more transcripts).
Identifiers: ClinVar variation 3039069 (VCV003039069.2), dbSNP rs569918568, ClinGen allele CA9864914.